The following is an entry in ClinVar:

ClinVar aggregate classification (germline): Uncertain significance (1 of 4 stars; one submission).

gnomAD v4.1: 3 of 1,613,896 alleles (0.00019%); highest among the groups gnomAD compares: African/African-American, 0.0027%; no homozygotes.

Submission:

Labcorp Genetics (formerly Invitae), Labcorp
Classification: Uncertain significance. Last evaluated: 2022-06-20. Review status: criteria provided, single submitter. Criteria: Invitae Variant Classification Sherloc (09022015). Collection method: clinical testing. Allele origin: germline.
Comment: In summary, the available evidence is currently insufficient to determine the role of this variant in disease. Therefore, it has been classified as a Variant of Uncertain Significance. Algorithms developed to predict the effect of missense changes on protein structure and function are either unavailable or do not agree on the potential impact of this missense change (SIFT: "Deleterious"; PolyPhen-2: "Benign"; Align-GVGD: "Class C0"). This variant has not been reported in the literature in individuals affected with CACNA2D4-related conditions. This variant is present in population databases (rs777772895, gnomAD 0.007%). This sequence change replaces aspartic acid, which is acidic and polar, with histidine, which is basic and polar, at codon 684 of the CACNA2D4 protein (p.Asp684His).

NM_172364.5(CACNA2D4):c.2050G>C (p.Asp684His)

Gene: CACNA2D4 (calcium voltage-gated channel auxiliary subunit alpha2delta 4; minus strand). Cytogenetic location: 12p13.33.
Variant type: single nucleotide variant.
Coding change: c.2050G>C on transcript NM_172364.5 (MANE Select); coding-DNA position 2050, G replaced by C.
Protein change: p.Asp684His; replaces aspartic acid 684 with histidine.
Molecular consequence: missense variant.
Genome position (GRCh38, 1-based): chr12:1,856,188, C>G on the plus strand (G>C on the coding strand, the complement: CACNA2D4 is on the minus strand). VCF-style: chr12-1856188-C-G. GRCh37 (hg19) VCF-style: chr12-1965354-C-G.
Other names: short protein forms D684H.
Identifiers: ClinVar variation 1486048 (VCV001486048.6), dbSNP rs777772895, ClinGen allele CA6386871.